The following is an entry in ClinVar:

ClinVar aggregate classification (germline): Pathogenic (3 of 4 stars; one submission).

Conditions:
Glanzmann thrombasthenia. Also called: THROMBASTHENIA OF GLANZMANN AND NAEGELI; BLEEDING DISORDER, PLATELET-TYPE, 2; Thrombasthenia; PLATELET GLYCOPROTEIN IIb-IIIa DEFICIENCY; Glanzmann's thrombasthenia. Identifiers: Orphanet 849, MedGen C0040015, MONDO:0100326.

Allele frequency attached by ClinVar (database versions not stated): gnomAD exomes 0.00001.

Submission:

ClinGen Platelet Disorders Variant Curation Expert Panel, ClinGen
Classification: Pathogenic for Glanzmann thrombasthenia. Last evaluated: 2021-09-03. Review status: reviewed by expert panel. Criteria: ClinGen Platelet ACMG Specifications v2. Collection method: curation. Allele origin: germline. Inheritance: Autosomal recessive inheritance.
Comment: The c.574+1G>A variant on ITGA2B is a canonical splice donor variant located in intron 4 and predicted to cause skipping of exon 4. It is present in very low frequencies (0.001%) in large population databases (gnomAD). This variant has been previously reported in at least one individual who meets diagnostic criteria of for the GT phenotype. This variant meets GT specific criteria for PVS1, PP4_strong and PM2_supporting, and is therefore classified as Pathogenic.

NM_000419.5(ITGA2B):c.574+1G>A

Gene: ITGA2B (integrin subunit alpha 2b; minus strand). Cytogenetic location: 17q21.31.
Variant type: single nucleotide variant.
Coding change: c.574+1G>A on transcript NM_000419.5 (MANE Select); the canonical splice donor site of the intron after coding-DNA position 574, G replaced by A.
Molecular consequence: splice donor variant.
Genome position (GRCh38, 1-based): chr17:44,385,550, C>T on the plus strand (G>A on the coding strand, the complement: ITGA2B is on the minus strand). VCF-style: chr17-44385550-C-T. GRCh37 (hg19) VCF-style: chr17-42462918-C-T.
Other names: NM_000419.5:c.574+1G>A.
Identifiers: ClinVar variation 1330342 (VCV001330342.1), dbSNP rs1291613591, ClinGen allele CA399805691.